The following is an entry in ClinVar:

ClinVar aggregate classification (germline): Uncertain significance. Review status: criteria provided, multiple submitters, no conflicts (2 of 4 stars). 3 submissions from 3 submitters: Uncertain significance (2). 1 of the submissions does not count toward it. Last evaluated 2025-12-22.

Conditions:
SEMA3A-related disorder. Also called: SEMA3A-related condition.
Inborn genetic diseases. Identifiers: MedGen C0950123, MeSH D030342.

gnomAD v4.1: 14 of 1,611,654 alleles (0.00087%); highest among the groups gnomAD compares: Admixed American, 0.024%; no homozygotes.

Submissions (3):

Ambry Genetics
Classification: Uncertain significance for Inborn genetic diseases. Last evaluated: 2025-12-22. Review status: criteria provided, single submitter. Criteria: Ambry Variant Classification Scheme 2023. Collection method: clinical testing. Allele origin: germline.

GeneDx
Classification: Uncertain significance. Last evaluated: 2024-07-11. Review status: criteria provided, single submitter. Criteria: GeneDx Variant Classification Process June 2021. Collection method: clinical testing. Allele origin: germline. Affected: yes.
Comment: In silico analysis supports that this missense variant has a deleterious effect on protein structure/function; Has not been previously published as pathogenic or benign to our knowledge

PreventionGenetics, part of Exact Sciences
Classification: Uncertain significance for SEMA3A-related condition. Last evaluated: 2024-08-18. Review status: no assertion criteria provided. Collection method: clinical testing. Allele origin: germline. Not counted in ClinVar's aggregate classification.
Comment: The SEMA3A c.1393C>T variant is predicted to result in the amino acid substitution p.Pro465Ser. To our knowledge, this variant has not been reported in the literature. This variant is reported in 0.031% of alleles in individuals of Latino descent in gnomAD. Although we suspect that this variant may be benign, at this time, the clinical significance of this variant is uncertain due to the absence of conclusive functional and genetic evidence.

NM_006080.3(SEMA3A):c.1393C>T (p.Pro465Ser)

Gene: SEMA3A (semaphorin 3A; minus strand). Cytogenetic location: 7q21.11.
Variant type: single nucleotide variant.
Coding change: c.1393C>T on transcript NM_006080.3 (MANE Select); coding-DNA position 1393, C replaced by T.
Protein change: p.Pro465Ser; replaces proline 465 with serine.
Molecular consequence: missense variant.
Genome position (GRCh38, 1-based): chr7:84,002,014, G>A on the plus strand (C>T on the coding strand, the complement: SEMA3A is on the minus strand). VCF-style: chr7-84002014-G-A. GRCh37 (hg19) VCF-style: chr7-83631330-G-A.
Other names: short protein forms P465S.
Identifiers: ClinVar variation 3358551 (VCV003358551.3).
Genomic context (GRCh38, chr7:84,002,014, plus strand): 5'-CCCGAAAAACTGTCATTTCTTCCAGCAGAACCTCTTCTAAATCATACCAAGTCTCCTTAG[G>A]AATTGAAACTACTTTAAGAACGGTCCCAACATCTTTGAAAGAAAGTGGGGAGAAGACCAC-3'
Protein context (NP_006071.1, residues 455-475): VGTVLKVVSI[Pro465Ser]KETWYDLEEV